The following is an entry in ClinVar:

NM_020884.7(MYH7B):c.5815-9_5818dup

Gene: MYH7B (myosin heavy chain 7B; plus strand). Cytogenetic location: 20q11.22.
Variant type: Duplication.
Coding change: c.5815-9_5818dup on transcript NM_020884.7 (MANE Select); 9 bases into the intron before coding-DNA position 5815 through coding-DNA position 5818, 13 bases duplicated (TCTCCTCAGCACA).
Molecular consequence: splice acceptor variant.
Genome position (GRCh38, 1-based): chr20:35,002,168-35,002,180, TCTCCTCAGCACA duplicated. VCF-style (leftmost placement, unchanged base first): chr20-35002167-T-TTCTCCTCAGCACA. GRCh37 (hg19) VCF-style: chr20-33589970-T-TTCTCCTCAGCACA.
Identifiers: ClinVar variation 1376056 (VCV001376056.9), dbSNP rs767282257, ClinGen allele CA9828783.

ClinVar aggregate classification (germline): Uncertain significance (1 of 4 stars; one submission).

Allele frequency attached by ClinVar (database versions not stated): gnomAD exomes 0.00001; ExAC 0.00002.

Submission:

Labcorp Genetics (formerly Invitae), Labcorp
Classification: Uncertain significance. Last evaluated: 2022-09-19. Review status: criteria provided, single submitter. Criteria: Invitae Variant Classification Sherloc (09022015). Collection method: clinical testing. Allele origin: germline.
Comment: This sequence change falls in intron 45 of the MYH7B gene. It does not directly change the encoded amino acid sequence of the MYH7B protein. In summary, the available evidence is currently insufficient to determine the role of this variant in disease. Therefore, it has been classified as a Variant of Uncertain Significance. Algorithms developed to predict the effect of sequence changes on RNA splicing suggest that this variant may disrupt the consensus splice site. ClinVar contains an entry for this variant (Variation ID: 1376056). This variant is also known as c.5941-9_5941-10insTCTCCTCAGCACA. This variant has not been reported in the literature in individuals affected with MYH7B-related conditions. This variant is present in population databases (rs767282257, gnomAD 0.002%).